The following is an entry in ClinVar:

ClinVar aggregate classification (germline): Likely benign (1 of 4 stars; one submission).

gnomAD v4.1: 626 of 1,589,716 alleles (0.039%); highest among the groups gnomAD compares: Non-Finnish European, 0.049%; 1 homozygote.

Submission:

CeGaT Center for Human Genetics Tuebingen
Classification: Likely benign. Last evaluated: 2025-12-01. Review status: criteria provided, single submitter. Criteria: CeGaT Center For Human Genetics Tuebingen Variant Classification Criteria Version 2. Collection method: clinical testing. Allele origin: germline. Affected: yes. Observed: 1 variant allele.
Comment: MAP4K1: PP3, BS2

NM_001042600.3(MAP4K1):c.1993G>A (p.Gly665Arg)

Genes: MAP4K1 (mitogen-activated protein kinase kinase kinase kinase 1; minus strand), MAP4K1-AS1 (MAP4K1 antisense RNA 1; plus strand). Cytogenetic location: 19q13.2.
Variant type: single nucleotide variant.
Coding change: c.1993G>A on transcript NM_001042600.3 (MANE Select); coding-DNA position 1993, G replaced by A.
Protein change: p.Gly665Arg; replaces glycine 665 with arginine.
Molecular consequence: missense variant. On other transcripts: non-coding transcript variant (1).
Genome position (GRCh38, 1-based): chr19:38,596,435, C>T on the plus strand (G>A on the coding strand, the complement: MAP4K1 is on the minus strand). VCF-style: chr19-38596435-C-T. GRCh37 (hg19) VCF-style: chr19-39087075-C-T.
Other names: c.1993G>A, p.Gly665Arg (NM_007181.6); short protein forms G665R.
Identifiers: ClinVar variation 4681298 (VCV004681298.5).